The following is an entry in ClinVar:

NM_006204.4(PDE6C):c.503T>C (p.Met168Thr)

Gene: PDE6C (phosphodiesterase 6C; plus strand). Cytogenetic location: 10q23.33.
Variant type: single nucleotide variant.
Coding change: c.503T>C on transcript NM_006204.4 (MANE Select); coding-DNA position 503, T replaced by C.
Protein change: p.Met168Thr; replaces methionine 168 with threonine.
Molecular consequence: missense variant.
Genome position (GRCh38, 1-based): chr10:93,620,654, T>C. VCF-style: chr10-93620654-T-C. GRCh37 (hg19) VCF-style: chr10-95380411-T-C.
Other names: c.503T>C (NM_006204.3); short protein forms M168T.
Identifiers: ClinVar variation 1016043 (VCV001016043.8), dbSNP rs200506932, ClinGen allele CA5609868.

ClinVar aggregate classification (germline): Uncertain significance. Review status: criteria provided, multiple submitters, no conflicts (2 of 4 stars). 3 submissions from 3 submitters: Uncertain significance (3). Last evaluated 2025-08-28.

Conditions:
Inborn genetic diseases. Identifiers: MedGen C0950123, MeSH D030342.

Allele frequency attached by ClinVar (database versions not stated): TOPMed below 0.00001; gnomAD 0.00005 and 0.00006; gnomAD exomes 0.00005 and 0.00011; ExAC 0.00007.

Submissions (3):

Ambry Genetics
Classification: Uncertain significance for Inborn genetic diseases. Last evaluated: 2025-08-28. Review status: criteria provided, single submitter. Criteria: Ambry Variant Classification Scheme 2023. Collection method: clinical testing. Allele origin: germline.

Blueprint Genetics
Classification: Uncertain significance. Last evaluated: 2024-09-25. Review status: criteria provided, single submitter. Criteria: ACMG Guidelines, 2015. Collection method: clinical testing. Allele origin: germline.

Labcorp Genetics (formerly Invitae), Labcorp
Classification: Uncertain significance. Last evaluated: 2022-08-10. Review status: criteria provided, single submitter. Criteria: Invitae Variant Classification Sherloc (09022015). Collection method: clinical testing. Allele origin: germline.
Comment: This sequence change replaces methionine, which is neutral and non-polar, with threonine, which is neutral and polar, at codon 168 of the PDE6C protein (p.Met168Thr). This variant is present in population databases (rs200506932, gnomAD 0.1%). This variant has not been reported in the literature in individuals affected with PDE6C-related conditions. ClinVar contains an entry for this variant (Variation ID: 1016043). Algorithms developed to predict the effect of missense changes on protein structure and function (SIFT, PolyPhen-2, Align-GVGD) all suggest that this variant is likely to be tolerated. In summary, the available evidence is currently insufficient to determine the role of this variant in disease. Therefore, it has been classified as a Variant of Uncertain Significance.